The following is an entry in ClinVar:

NM_000535.7(PMS2):c.1295A>G (p.Asn432Ser)

Gene: PMS2 (PMS1 homolog 2, mismatch repair system component; minus strand). Cytogenetic location: 7p22.1.
Variant type: single nucleotide variant.
Coding change: c.1295A>G on transcript NM_000535.7 (MANE Select); coding-DNA position 1295, A replaced by G.
Protein change: p.Asn432Ser; replaces asparagine 432 with serine.
Molecular consequence: missense variant. On other transcripts: non-coding transcript variant (1).
Genome position (GRCh38, 1-based): chr7:5,987,470, T>C on the plus strand (A>G on the coding strand, the complement: PMS2 is on the minus strand). VCF-style: chr7-5987470-T-C. GRCh37 (hg19) VCF-style: chr7-6027101-T-C.
Other names: c.890A>G, p.Asn297Ser (NM_001322003.2, NM_001322004.2, NM_001322005.2 and 1 more transcripts); c.1139A>G, p.Asn380Ser (NM_001322006.2); c.977A>G, p.Asn326Ser (NM_001322007.2, NM_001322008.2); c.734A>G, p.Asn245Ser (NM_001322010.2); c.362A>G, p.Asn121Ser (NM_001322011.2, NM_001322012.2); c.722A>G, p.Asn241Ser (NM_001322013.2); c.1295A>G, p.Asn432Ser (NM_001322014.2); c.986A>G, p.Asn329Ser (NM_001322015.2); short protein forms N329S, N432S, N241S, N245S, N380S, N121S, N297S, N326S.
Identifiers: ClinVar variation 645500 (VCV000645500.12), dbSNP rs1583321984, ClinGen allele CA366742394.

ClinVar aggregate classification (germline): Conflicting classifications of pathogenicity. Review status: criteria provided, conflicting classifications (1 of 4 stars). 2 submissions from 2 submitters: Uncertain significance (1); Likely benign (1). Last evaluated 2025-10-14.

Conditions:
Hereditary cancer-predisposing syndrome. Also called: Hereditary Cancer Syndrome; Tumor predisposition; Hereditary neoplastic syndrome; Neoplastic Syndromes, Hereditary. Identifiers: Orphanet 140162, MedGen C0027672, MeSH D009386, MONDO:0015356.
Hereditary nonpolyposis colorectal neoplasms. Identifiers: MedGen C0009405, MeSH D003123.

Submissions (2):

Labcorp Genetics (formerly Invitae), Labcorp
Classification: Uncertain significance for Hereditary nonpolyposis colorectal neoplasms. Last evaluated: 2025-10-14. Review status: criteria provided, single submitter. Criteria: Invitae Variant Classification Sherloc (09022015). Collection method: clinical testing. Allele origin: germline.
Comment: This sequence change replaces asparagine, which is neutral and polar, with serine, which is neutral and polar, at codon 432 of the PMS2 protein (p.Asn432Ser). This variant is not present in population databases (gnomAD no frequency). This variant has not been reported in the literature in individuals affected with PMS2-related conditions. ClinVar contains an entry for this variant (Variation ID: 645500). Invitae Evidence Modeling incorporating data from in vitro experimental studies (internal data) indicates that this missense variant is not expected to disrupt PMS2 function with a negative predictive value of 95%. In summary, the available evidence is currently insufficient to determine the role of this variant in disease. Therefore, it has been classified as a Variant of Uncertain Significance.

Ambry Genetics
Classification: Likely benign for Hereditary cancer-predisposing syndrome. Last evaluated: 2024-05-08. Review status: criteria provided, single submitter. Criteria: Ambry Variant Classification Scheme 2023. Collection method: clinical testing. Allele origin: germline.